The following is an entry in ClinVar:

ClinVar aggregate classification (germline): Benign/Likely benign. Review status: criteria provided, multiple submitters, no conflicts (2 of 4 stars). 7 submissions from 7 submitters: Benign (3); Likely benign (1). 3 of the submissions do not count toward it. Last evaluated 2026-01-28.

Conditions:
Fanconi anemia complementation group P. Also called: SLX4-Related Fanconi Anemia. Identifiers: Orphanet 84, MedGen C3469542, MONDO:0013499, OMIM 613951.
Fanconi anemia (FA). Also called: Fanconi's anemia. Identifiers: Orphanet 84, MedGen C0015625, MeSH D005199, MONDO:0019391.

Allele frequency attached by ClinVar (database versions not stated): gnomAD exomes 0.00072 and 0.00225; gnomAD 0.00078 and 0.00107; TOPMed 0.00117; ExAC 0.00202; 1000 Genomes Project 30x 0.00500; 1000 Genomes Project 0.00579.
gnomAD v4.1: 1,234 of 1,614,104 alleles (0.076%); highest among the groups gnomAD compares: East Asian, 2.5%; 13 homozygotes.

Submissions (7):

Labcorp Genetics (formerly Invitae), Labcorp
Classification: Benign for Fanconi anemia. Last evaluated: 2026-01-28. Review status: criteria provided, single submitter. Criteria: Invitae Variant Classification Sherloc (09022015). Collection method: clinical testing. Allele origin: germline.

Blueprint Genetics
Classification: Likely benign. Last evaluated: 2024-09-18. Review status: criteria provided, single submitter. Criteria: ACMG Guidelines, 2015. Collection method: clinical testing. Allele origin: germline.

Genetic Services Laboratory, University of Chicago
Classification: Benign. Last evaluated: 2018-08-03. Review status: criteria provided, single submitter. Criteria: ACMG Guidelines, 2015. Collection method: clinical testing. Allele origin: germline. Affected: no.

Illumina Laboratory Services, Illumina
Classification: Benign for Fanconi anemia complementation group P. Last evaluated: 2018-01-13. Review status: criteria provided, single submitter. Criteria: ICSL Variant Classification Criteria 13 December 2019. Collection method: clinical testing. Allele origin: germline.
Comment: This variant was observed in the ICSL laboratory as part of a predisposition screen in an ostensibly healthy population. It had not been previously curated by ICSL or reported in the Human Gene Mutation Database (HGMD: prior to June 1st, 2018), and was therefore a candidate for classification through an automated scoring system. Utilizing variant allele frequency, disease prevalence and penetrance estimates, and inheritance mode, an automated score was calculated to assess if this variant is too frequent to cause the disease. Based on the score and internal cut-off values, a variant classified as benign is not then subjected to further curation. The score for this variant resulted in a classification of benign for this disease.

Leiden Open Variation Database
Classification: Likely benign. Last evaluated: 2012-08-31. Review status: no assertion criteria provided. Collection method: curation. Allele origin: germline. Affected: yes. Not counted in ClinVar's aggregate classification.
Comment: Curator: Arleen D. Auerbach. Submitter to LOVD: Janine Bakker.

Clinical Genetics DNA and cytogenetics Diagnostics Lab, Erasmus MC, Erasmus Medical Center
Classification: Benign. Review status: no assertion criteria provided. Collection method: clinical testing. Allele origin: germline. Affected: yes. Study: VKGL Data-share Consensus. Not counted in ClinVar's aggregate classification.

Laboratory of Diagnostic Genome Analysis, Leiden University Medical Center (LUMC)
Classification: Likely benign. Review status: no assertion criteria provided. Collection method: clinical testing. Allele origin: germline. Affected: yes. Study: VKGL Data-share Consensus. Not counted in ClinVar's aggregate classification.

Literature cited by the submitters: PubMed 22911665 (cited by Leiden Open Variation Database).

NM_032444.4(SLX4):c.2786C>T (p.Pro929Leu)

Gene: SLX4 (SLX4 structure-specific endonuclease subunit; minus strand). Cytogenetic location: 16p13.3.
Variant type: single nucleotide variant.
Coding change: c.2786C>T on transcript NM_032444.4 (MANE Select); coding-DNA position 2786, C replaced by T.
Protein change: p.Pro929Leu; replaces proline 929 with leucine.
Molecular consequence: missense variant.
Genome position (GRCh38, 1-based): chr16:3,590,852, G>A on the plus strand (C>T on the coding strand, the complement: SLX4 is on the minus strand). VCF-style: chr16-3590852-G-A. GRCh37 (hg19) VCF-style: chr16-3640853-G-A.
Other names: c.2786C>T (LRG_503t1); short protein forms P929L.
Identifiers: ClinVar variation 241676 (VCV000241676.24), dbSNP rs117707719, ClinGen allele CA7866072.
Genomic context (GRCh38, chr16:3,590,852, plus strand): 5'-GGCGCCTCCTGCTCAGGGGCCTCTGCTCCCCGTGCCCCTGAGTGCTGGCCCTGGGGTGGC[G>A]GGAGAGCGCACTGTCCCATCTTCTCCCAGGTGGTGGCGGCCTCATCTCTTCCTGGCTCCA-3'
Protein context (NP_115820.2, residues 919-939): TWEKMGQCAL[Pro929Leu]PPQGQHSGAR